The following is an entry in ClinVar:

ClinVar aggregate classification (germline): Uncertain significance (1 of 4 stars; one submission).

Conditions:
Dyskeratosis congenita, autosomal dominant 1 (DKCA1). Also called: Dyskeratosis congenita Scoggins type. Identifiers: Orphanet 1775, MedGen C4551974, MONDO:0007485, OMIM 127550. Inheritance: Variable.

Submission:

Labcorp Genetics (formerly Invitae), Labcorp
Classification: Uncertain significance for Dyskeratosis congenita, autosomal dominant 1. Last evaluated: 2020-07-31. Review status: criteria provided, single submitter. Criteria: Invitae Variant Classification Sherloc (09022015). Collection method: clinical testing. Allele origin: germline.
Comment: This variant has not been reported in the literature in individuals with TERC-related conditions. In summary, the available evidence is currently insufficient to determine the role of this variant in disease. Therefore, it has been classified as a Variant of Uncertain Significance. This variant is located within the BoxH/ACA scaRNA domain of the TERC RNA component, which is required for telomerase activity (PMID: 21844345). Functional studies testing the effect of this variant on TERC secondary structure or function have not been reported. This variant is not present in population databases (ExAC no frequency). This variant occurs in the TERC gene, which encodes an RNA molecule that does not result in a protein product.

Literature cited by the submitters: PubMed 21844345.

NC_000003.12:g.169764677G>A

Gene: TERC (telomerase RNA component; minus strand). Cytogenetic location: 3q26.2.
Variant type: single nucleotide variant.
Genome position: GRCh38 VCF-style: chr3-169764677-G-A. GRCh37 (hg19) VCF-style: chr3-169482465-G-A.
Identifiers: ClinVar variation 1039209 (VCV001039209.9), dbSNP rs1777958436, ClinGen allele CA436714877.